The following is an entry in ClinVar:

ClinVar aggregate classification (germline): Uncertain significance (1 of 4 stars; one submission).

Conditions:
Alagille syndrome due to a JAG1 point mutation. Also called: HEPATIC DUCTULAR HYPOPLASIA, SYNDROMATIC; Alagille Syndrome 1; JAG1-Related Alagille Syndrome. Identifiers: Orphanet 261619, Orphanet 52, MedGen C1956125, MONDO:0016862, OMIM 118450.

Submission:

Labcorp Genetics (formerly Invitae), Labcorp
Classification: Uncertain significance for Alagille syndrome due to a JAG1 point mutation. Last evaluated: 2024-09-29. Review status: criteria provided, single submitter. Criteria: Invitae Variant Classification Sherloc (09022015). Collection method: clinical testing. Allele origin: germline.
Comment: This sequence change replaces alanine, which is neutral and non-polar, with serine, which is neutral and polar, at codon 662 of the JAG1 protein (p.Ala662Ser). This variant is not present in population databases (gnomAD no frequency). This variant has not been reported in the literature in individuals affected with JAG1-related conditions. Invitae Evidence Modeling of protein sequence and biophysical properties (such as structural, functional, and spatial information, amino acid conservation, physicochemical variation, residue mobility, and thermodynamic stability) indicates that this missense variant is not expected to disrupt JAG1 protein function with a negative predictive value of 95%. In summary, the available evidence is currently insufficient to determine the role of this variant in disease. Therefore, it has been classified as a Variant of Uncertain Significance.

NM_000214.3(JAG1):c.1984G>T (p.Ala662Ser)

Gene: JAG1 (jagged canonical Notch ligand 1; minus strand). Cytogenetic location: 20p12.2.
Variant type: single nucleotide variant.
Coding change: c.1984G>T on transcript NM_000214.3 (MANE Select); coding-DNA position 1984, G replaced by T.
Protein change: p.Ala662Ser; replaces alanine 662 with serine.
Molecular consequence: missense variant.
Genome position (GRCh38, 1-based): chr20:10,645,986, C>A on the plus strand (G>T on the coding strand, the complement: JAG1 is on the minus strand). VCF-style: chr20-10645986-C-A. GRCh37 (hg19) VCF-style: chr20-10626634-C-A.
Other names: short protein forms A662S.
Identifiers: ClinVar variation 3617973 (VCV003617973.2).